The following is an entry in ClinVar:

ClinVar aggregate classification (germline): Uncertain significance (1 of 4 stars; one submission).

Conditions:
Long QT syndrome (LQTS). Identifiers: MedGen C0023976, MeSH D008133, MONDO:0002442. Disease mechanism: loss of function. Inheritance: Various modes of inheritance.

Submission:

Labcorp Genetics (formerly Invitae), Labcorp
Classification: Uncertain significance for Long QT syndrome. Last evaluated: 2021-12-17. Review status: criteria provided, single submitter. Criteria: Invitae Variant Classification Sherloc (09022015). Collection method: clinical testing. Allele origin: germline.
Comment: In summary, the available evidence is currently insufficient to determine the role of this variant in disease. Therefore, it has been classified as a Variant of Uncertain Significance. This variant has not been reported in the literature in individuals affected with CACNA1C-related conditions. This variant is not present in population databases (gnomAD no frequency). This sequence change creates a premature translational stop signal (p.Pro1526Argfs*3) in the CACNA1C gene. It is expected to result in an absent or disrupted protein product. However, the current clinical and genetic evidence is not sufficient to establish whether loss-of-function variants in CACNA1C cause disease.

NM_000719.7(CACNA1C):c.4577del (p.Pro1526fs)

Gene: CACNA1C (calcium voltage-gated channel subunit alpha1 C; plus strand). Cytogenetic location: 12p13.33.
Variant type: Deletion.
Coding change: c.4577del on transcript NM_000719.7 (MANE Select); coding-DNA position 4577, one base deleted (C; older notation c.4577delC).
Protein change: p.Pro1526fs; shifts the reading frame from proline 1526.
Molecular consequence: frameshift variant.
Genome position (GRCh38, 1-based): chr12:2,666,736, C deleted; the last of 2 consecutive C bases (chr12:2,666,735-2,666,736); deleting either gives the same sequence. VCF-style (leftmost placement, unchanged base first): chr12-2666734-GC-G. GRCh37 (hg19) VCF-style: chr12-2775900-GC-G.
Other names: c.4721del, p.Pro1574fs (NM_001129827.2, NM_199460.4); c.4643del, p.Pro1548fs (NM_001129829.2); c.4577del, p.Pro1526fs (NM_001129830.3, NM_001129833.2, NM_001129834.2 and 7 more transcripts); c.4661del, p.Pro1554fs (NM_001129831.2); c.4637del, p.Pro1546fs (NM_001129832.2); c.4628del, p.Pro1543fs (NM_001129836.2); c.4544del, p.Pro1515fs (NM_001129837.2, NM_001129838.2, NM_001129846.2 and 1 more transcripts); c.4538del, p.Pro1513fs (NM_001129839.2); and 1 more; short protein forms P1515fs, P1546fs, P1523fs, P1543fs, P1526fs, P1548fs, P1554fs, P1574fs.
Identifiers: ClinVar variation 2044981 (VCV002044981.4), dbSNP rs2529914829, ClinGen allele CA2580085125.